The following is an entry in ClinVar:

NM_152618.3(BBS12):c.1861C>T (p.His621Tyr)

Gene: BBS12 (Bardet-Biedl syndrome 12; plus strand). Cytogenetic location: 4q27.
Variant type: single nucleotide variant.
Coding change: c.1861C>T on transcript NM_152618.3 (MANE Select); coding-DNA position 1861, C replaced by T.
Protein change: p.His621Tyr; replaces histidine 621 with tyrosine.
Molecular consequence: missense variant.
Genome position (GRCh38, 1-based): chr4:122,743,753, C>T. VCF-style: chr4-122743753-C-T. GRCh37 (hg19) VCF-style: chr4-123664908-C-T.
Other names: c.1861C>T, p.His621Tyr (NM_001178007.2); short protein forms H621Y.
Identifiers: ClinVar variation 1024674 (VCV001024674.5), dbSNP rs1800935119, ClinGen allele CA358226038.

ClinVar aggregate classification (germline): Uncertain significance (1 of 4 stars; one submission).

Conditions:
Bardet-Biedl syndrome (BBS). Identifiers: Orphanet 110, MedGen C0752166, MONDO:0015229.

Allele frequency attached by ClinVar (database versions not stated): gnomAD exomes below 0.00001.
gnomAD v4.1: 1 of 1,614,184 alleles (0.000062%); highest among the groups gnomAD compares: Non-Finnish European, 0.000085%; no homozygotes.

Submission:

Labcorp Genetics (formerly Invitae), Labcorp
Classification: Uncertain significance for Bardet-Biedl syndrome. Last evaluated: 2022-08-16. Review status: criteria provided, single submitter. Criteria: Invitae Variant Classification Sherloc (09022015). Collection method: clinical testing. Allele origin: germline.
Comment: Algorithms developed to predict the effect of missense changes on protein structure and function (SIFT, PolyPhen-2, Align-GVGD) all suggest that this variant is likely to be tolerated. In summary, the available evidence is currently insufficient to determine the role of this variant in disease. Therefore, it has been classified as a Variant of Uncertain Significance. This sequence change replaces histidine, which is basic and polar, with tyrosine, which is neutral and polar, at codon 621 of the BBS12 protein (p.His621Tyr). This variant is not present in population databases (gnomAD no frequency). This variant has not been reported in the literature in individuals affected with BBS12-related conditions. ClinVar contains an entry for this variant (Variation ID: 1024674).